The following is an entry in ClinVar:

NM_032383.5(HPS3):c.626T>G (p.Val209Gly)

Gene: HPS3 (HPS3 biogenesis of lysosomal organelles complex 2 subunit 1; plus strand). Cytogenetic location: 3q24.
Variant type: single nucleotide variant.
Coding change: c.626T>G on transcript NM_032383.5 (MANE Select); coding-DNA position 626, T replaced by G.
Protein change: p.Val209Gly; replaces valine 209 with glycine.
Molecular consequence: missense variant. On other transcripts: intron variant (1).
Genome position (GRCh38, 1-based): chr3:149,140,412, T>G. VCF-style: chr3-149140412-T-G. GRCh37 (hg19) VCF-style: chr3-148858199-T-G.
Other names: c.218-605T>G (NM_001308258.2); short protein forms V209G.
Identifiers: ClinVar variation 3907360 (VCV003907360.1).

ClinVar aggregate classification (germline): Uncertain significance (1 of 4 stars; one submission).

Submission:

Women's Health and Genetics/Laboratory Corporation of America, LabCorp
Classification: Uncertain significance. Last evaluated: 2025-06-05. Review status: criteria provided, single submitter. Criteria: LabCorp Variant Classification Summary - May 2015. Collection method: clinical testing. Allele origin: germline.
Comment: Variant summary: HPS3 c.626T>G (p.Val209Gly) results in a non-conservative amino acid change in the encoded protein sequence. Algorithms developed to predict the effect of missense changes on protein structure and function are either unavailable or do not agree on the potential impact of this missense change. The variant was absent in 248140 control chromosomes. The available data on variant occurrences in the general population are insufficient to allow any conclusion about variant significance. To our knowledge, no occurrence of c.626T>G in individuals affected with Hermansky-Pudlak Syndrome and no experimental evidence demonstrating its impact on protein function have been reported. No submitters have cited clinical-significance assessments for this variant to ClinVar. Based on the evidence outlined above, the variant was classified as uncertain significance.